The following is an entry in ClinVar:

ClinVar aggregate classification (germline): Uncertain significance. Review status: criteria provided, multiple submitters, no conflicts (2 of 4 stars). 2 submissions from 2 submitters: Uncertain significance (2). Last evaluated 2025-03-31.

Conditions:
Inborn genetic diseases. Identifiers: MedGen C0950123, MeSH D030342.

Submissions (2):

Labcorp Genetics (formerly Invitae), Labcorp
Classification: Uncertain significance. Last evaluated: 2025-03-31. Review status: criteria provided, single submitter. Criteria: Invitae Variant Classification Sherloc (09022015). Collection method: clinical testing. Allele origin: germline.
Comment: This sequence change replaces glutamic acid, which is acidic and polar, with glycine, which is neutral and non-polar, at codon 274 of the SAMD9L protein (p.Glu274Gly). This variant is not present in population databases (gnomAD no frequency). This variant has not been reported in the literature in individuals affected with SAMD9L-related conditions. An algorithm developed to predict the effect of missense changes on protein structure and function outputs the following: PolyPhen-2: "Benign". The glycine amino acid residue is found in multiple mammalian species, which suggests that this missense change does not adversely affect protein function. In summary, the available evidence is currently insufficient to determine the role of this variant in disease. Therefore, it has been classified as a Variant of Uncertain Significance.

Ambry Genetics
Classification: Uncertain significance for Inborn genetic diseases. Last evaluated: 2025-03-05. Review status: criteria provided, single submitter. Criteria: Ambry Variant Classification Scheme 2023. Collection method: clinical testing. Allele origin: germline.
Comment: The p.E274G variant (also known as c.821A>G), located in coding exon 1 of the SAMD9L gene, results from an A to G substitution at nucleotide position 821. The glutamic acid at codon 274 is replaced by glycine, an amino acid with similar properties. This amino acid position is conserved. In addition, this alteration is predicted to be tolerated by in silico analysis. Based on the available evidence, the clinical significance of this variant remains unclear.

NM_152703.5(SAMD9L):c.821A>G (p.Glu274Gly)

Gene: SAMD9L (sterile alpha motif domain containing 9 like; minus strand). Cytogenetic location: 7q21.2.
Variant type: single nucleotide variant.
Coding change: c.821A>G on transcript NM_152703.5 (MANE Select); coding-DNA position 821, A replaced by G.
Protein change: p.Glu274Gly; replaces glutamic acid 274 with glycine.
Molecular consequence: missense variant.
Genome position (GRCh38, 1-based): chr7:93,135,151, T>C on the plus strand (A>G on the coding strand, the complement: SAMD9L is on the minus strand). VCF-style: chr7-93135151-T-C. GRCh37 (hg19) VCF-style: chr7-92764464-T-C.
Other names: c.821A>G, p.Glu274Gly (NM_001303496.3, NM_001303497.3, NM_001303498.3 and 5 more transcripts); short protein forms E274G.
Identifiers: ClinVar variation 3792495 (VCV003792495.2).